The following is an entry in ClinVar:

NC_000011.10:g.(?_66510650)_(66511249_?)del

Gene: BBS1 (Bardet-Biedl syndrome 1; plus strand). Cytogenetic location: 11q13.2.
Variant type: Deletion.
Identifiers: ClinVar variation 831571 (VCV000831571.5).

ClinVar aggregate classification (germline): Pathogenic (1 of 4 stars; one submission).

Conditions:
Bardet-Biedl syndrome (BBS). Identifiers: Orphanet 110, MedGen C0752166, MONDO:0015229.

Submission:

Labcorp Genetics (formerly Invitae), Labcorp
Classification: Pathogenic for Bardet-Biedl syndrome. Last evaluated: 2022-08-31. Review status: criteria provided, single submitter. Criteria: Invitae Variant Classification Sherloc (09022015). Collection method: clinical testing. Allele origin: germline.
Comment: This variant is a gross deletion of the genomic region encompassing exon(s) 1-3 of the BBS1 gene, which includes the initiator codon. This deletion extends beyond the assayed region for this gene and therefore may encompass additional genes. It is expected to result in an absent or disrupted protein product. Loss-of-function variants in BBS1 are known to be pathogenic (PMID: 12118255, 21520335, 27032803). This variant has not been reported in the literature in individuals affected with BBS1-related conditions. For these reasons, this variant has been classified as Pathogenic.

Literature cited by the submitters: PubMed 12118255; PubMed 21520335; PubMed 27032803.